The following is an entry in ClinVar:

ClinVar aggregate classification (germline): Uncertain significance (1 of 4 stars; one submission).

Submission:

Labcorp Genetics (formerly Invitae), Labcorp
Classification: Uncertain significance. Last evaluated: 2022-03-10. Review status: criteria provided, single submitter. Criteria: Invitae Variant Classification Sherloc (09022015). Collection method: clinical testing. Allele origin: germline.
Comment: In summary, the available evidence is currently insufficient to determine the role of this variant in disease. Therefore, it has been classified as a Variant of Uncertain Significance. Algorithms developed to predict the effect of missense changes on protein structure and function are either unavailable or do not agree on the potential impact of this missense change (SIFT: "Deleterious"; PolyPhen-2: "Possibly Damaging"; Align-GVGD: "Class C0"). This variant has not been reported in the literature in individuals affected with GPR179-related conditions. This variant is present in population databases (rs375903406, gnomAD 0.007%). This sequence change replaces glutamic acid, which is acidic and polar, with lysine, which is basic and polar, at codon 1016 of the GPR179 protein (p.Glu1016Lys).

NM_001004334.4(GPR179):c.3046G>A (p.Glu1016Lys)

Gene: GPR179 (G protein-coupled receptor 179; minus strand). Cytogenetic location: 17q12.
Variant type: single nucleotide variant.
Coding change: c.3046G>A on transcript NM_001004334.4 (MANE Select); coding-DNA position 3046, G replaced by A.
Protein change: p.Glu1016Lys; replaces glutamic acid 1016 with lysine.
Molecular consequence: missense variant.
Genome position (GRCh38, 1-based): chr17:38,330,523, C>T on the plus strand (G>A on the coding strand, the complement: GPR179 is on the minus strand). VCF-style: chr17-38330523-C-T. GRCh37 (hg19) VCF-style: chr17-36486406-C-T.
Other names: short protein forms E1016K.
Identifiers: ClinVar variation 1362834 (VCV001362834.8), dbSNP rs375903406, ClinGen allele CA290105413.